The following is an entry in ClinVar:

ClinVar aggregate classification (germline): Conflicting classifications of pathogenicity. Review status: criteria provided, conflicting classifications (1 of 4 stars). 8 submissions from 8 submitters: Likely pathogenic (1); Uncertain significance (7). Last evaluated 2025-10-22.

Conditions:
MYBPC3-related disorder. Also called: MYBPC3-related disorders; MYBPC3-related condition; MYBPC3-related disease.
Cardiovascular phenotype. Identifiers: MedGen CN230736.
Cardiomyopathy (CMYO). Also called: Cardiomyopathies. Identifiers: Orphanet 167848, MedGen C0878544, MONDO:0004994, HP:0001638. Inheritance: Various modes of inheritance.
Hypertrophic cardiomyopathy 4. Also called: Familial hypertrophic cardiomyopathy 4. Identifiers: MedGen C1861862, MONDO:0007268, OMIM 115197.
Hypertrophic cardiomyopathy. Also called: HYPERTROPHIC MYOCARDIOPATHY. Identifiers: Orphanet 217569, MedGen C0007194, MeSH D002312, MONDO:0005045, HP:0001639.

Allele frequency attached by ClinVar (database versions not stated): gnomAD exomes below 0.00001 and 0.00001; ExAC 0.00001; gnomAD 0.00002; TOPMed 0.00002.
gnomAD v4.1: 8 of 1,613,512 alleles (0.0005%); highest among the groups gnomAD compares: East Asian, 0.0045%; no homozygotes.

Submissions (8):

PreventionGenetics, part of Exact Sciences
Classification: Uncertain significance for MYBPC3-related condition. Last evaluated: 2025-10-22. Review status: criteria provided, single submitter. Criteria: ACMG Guidelines, 2015. Collection method: clinical testing. Allele origin: germline.
Comment: The MYBPC3 c.2534G>A variant is predicted to result in the amino acid substitution p.Arg845His. This variant has been reported in an individual from the Jackson Heart Study cohort, a community-based observational study cohort; however, no additional studies were performed to help assess the pathogenicity of this variant (Table S3, Bick et al. 2012. PubMed ID: 22958901). This variant is reported in 0.010% of alleles in individuals of East Asian descent in gnomAD. Alternate missense changes at the same amino acid position (p.Arg845Pro, p.Arg845Cys, and p.Arg845Ser) have been reported in individuals with hypertrophic cardiomyopathy (Kassem et al. 2013. PubMed ID: 23233322; Table S1B, Walsh et al. 2017. PubMed ID: 27532257; Table S2, Ross et al. 2017. PubMed ID: 28615295). At this time, the clinical significance of the c.2534G>A (p.Arg845His) variant is uncertain due to the absence of conclusive functional and genetic evidence.

Department of Molecular Genetics, Istishari Arab Hospital
Classification: Uncertain significance for Hypertrophic cardiomyopathy 4. Last evaluated: 2025-10-09. Review status: criteria provided, single submitter. Criteria: ACMG Guidelines, 2015. Collection method: clinical testing. Allele origin: germline. Inheritance: Autosomal dominant inheritance. Affected: yes.
Comment: The MYBPC3 variant c.2534G>A, p.Arg845His, causes an amino acid change from Arg to His at 845. Different missense changes at the same codon (p.Arg845Cys, p.Arg845Pro, p.Arg845Ser) have been reported to be associated with MYBPC3-related disorder (PMID: 23233322, 27532257, 28615295). The variant is observed at an extremely low frequency in the gnomAD v4.1.0 dataset (total allele frequency: <0.001%). It is classified as variant of uncertain significance based on ACMG/AMP/ClinGen SVI guidelines.

3billion
Classification: Uncertain significance for Hypertrophic cardiomyopathy 4. Last evaluated: 2025-10-03. Review status: criteria provided, single submitter. Criteria: ACMG Guidelines, 2015. Collection method: clinical testing. Allele origin: germline. Affected: yes.
Comment: The variant is observed at an extremely low frequency in the gnomAD v4.1.0 dataset (total allele frequency: <0.001%). Predicted Consequence/Location: Missense variant In silico tool predictions suggest damaging effect of the variant on gene or gene product [REVEL: 0.62 (>=0.6, sensitivity 0.68 and specificity 0.92); 3Cnet: 0.99 (> 0.75, sensitivity 0.96 and precision 0.92)]. The same nucleotide change resulting in the same amino acid change has been previously reported to be associated with MYBPC3-related disorder (ClinVar ID: VCV000180974).Different missense changes at the same codon (p.Arg845Cys, p.Arg845Pro, p.Arg845Ser) have been reported to be associated with MYBPC3-related disorder (PMID: 23233322, 27532257, 28615295). However the evidence of pathogenicity is insufficient at this time. Therefore, this variant is classified as VUS according to the recommendation of ACMG/AMP guideline.

All of Us Research Program, National Institutes of Health
Classification: Uncertain significance for Hypertrophic cardiomyopathy. Last evaluated: 2023-12-01. Review status: criteria provided, single submitter. Criteria: ACMG Guidelines, 2015. Collection method: clinical testing. Allele origin: germline. Inheritance: Autosomal dominant inheritance. Observed: 1 variant allele, 1 heterozygote.
Comment: This missense variant replaces arginine with histidine at codon 845 of the MYBPC3 protein. Computational prediction is inconclusive regarding the impact of this variant on protein structure and function (internally defined REVEL score threshold 0.5 < inconclusive < 0.7, PMID: 27666373). To our knowledge, functional studies have not been reported for this variant. This variant has not been reported in individuals affected with cardiovascular disorders in the literature. This variant has been identified in 4/279568 chromosomes in the general population by the Genome Aggregation Database (gnomAD). The available evidence is insufficient to determine the role of this variant in disease conclusively. Therefore, this variant is classified as a Variant of Uncertain Significance.

This study involves interpretation of variants in research participants for the purpose of population health screening. Participant phenotype was not available at the time of variant classification. Additional details can be found in publication PMID: 35346344, PMCID: PMC8962531

Labcorp Genetics (formerly Invitae), Labcorp
Classification: Uncertain significance for Hypertrophic cardiomyopathy. Last evaluated: 2023-10-16. Review status: criteria provided, single submitter. Criteria: Invitae Variant Classification Sherloc (09022015). Collection method: clinical testing. Allele origin: germline.
Comment: This sequence change replaces arginine, which is basic and polar, with histidine, which is basic and polar, at codon 845 of the MYBPC3 protein (p.Arg845His). This variant is present in population databases (rs730880568, gnomAD 0.01%). This variant has not been reported in the literature in individuals affected with MYBPC3-related conditions. ClinVar contains an entry for this variant (Variation ID: 180974). An algorithm developed to predict the effect of missense changes on protein structure and function (PolyPhen-2) suggests that this variant is likely to be disruptive. In summary, the available evidence is currently insufficient to determine the role of this variant in disease. Therefore, it has been classified as a Variant of Uncertain Significance.

Ambry Genetics
Classification: Uncertain significance for Cardiovascular phenotype. Last evaluated: 2022-09-22. Review status: criteria provided, single submitter. Criteria: Ambry Variant Classification Scheme 2023. Collection method: clinical testing. Allele origin: germline.
Comment: The p.R845H variant (also known as c.2534G>A), located in coding exon 25 of the MYBPC3 gene, results from a G to A substitution at nucleotide position 2534. The arginine at codon 845 is replaced by histidine, an amino acid with highly similar properties. This variant has been reported in the Jackson Heart Study cohort; however, clinical details were limited (Bick AG et al. Am J Hum Genet, 2012 Sep;91:513-9). This amino acid position is highly conserved in available vertebrate species. In addition, this alteration is predicted to be deleterious by in silico analysis. Since supporting evidence is limited at this time, the clinical significance of this alteration remains unclear.

CHEO Genetics Diagnostic Laboratory, Children's Hospital of Eastern Ontario
Classification: Uncertain significance for Cardiomyopathy. Last evaluated: 2015-10-28. Review status: criteria provided, single submitter. Criteria: ACMG Guidelines, 2015. Collection method: clinical testing. Allele origin: germline. Study: Canadian Open Genetics Repository.

GeneDx
Classification: Likely pathogenic. Last evaluated: 2014-05-21. Review status: criteria provided, single submitter. Criteria: GeneDx Variant Classification (06012015). Collection method: clinical testing. Allele origin: germline. Affected: yes.
Comment: This variant is denoted p.Arg845His (CGC>CAC): c.2534 G>A in exon 25 of the MYBPC3 gene (NM_000256.3). Mutations in the MYBPC3 gene have been reported in 20%-30% of patients with autosomal dominant familial hypertrophic cardiomyopathy, and have been reported less frequently in patients with autosomal dominant familial dilated cardiomyopathy (Cirino Aet al., 2011; Hershberger R et al., 2009). While the R845H mutation in the MYBPC3 gene has not been reported to our knowledge, a mutation affecting this same residue, (R845P), has been reported in association with cardiomyopathy (Kassem HS et al., 2013). Additionally, mutations in nearby residues (A851V, A848V, Y847H, M844R) have been reported in association with hypertrophic cardiomyopathy, further supporting the functional importance of this residue and this region of the protein. Although R845H is a conservative amino acid change, which is not likely to impact secondary protein structure as these residues share similar properties, the R845 residue is highly conserved across species. In silico analysis predicts R845H is probably damaging to the protein structure/function. Furthermore, R845H was not observed in approximately 6,500 individuals of European and African American ancestry in the NHLBI Exome Sequencing Project, indicating it is not a common benign variant in these populations.In summary, R845H in the MYBPC3 gene is interpreted as a likely disease-causing mutation. The variant is found in CARDIOMYOPATHY panel(s).

Literature cited by the submitters: PubMed 23233322 (cited by 3billion); PubMed 22958901 (cited by Ambry Genetics).

NM_000256.3(MYBPC3):c.2534G>A (p.Arg845His)

Gene: MYBPC3 (myosin binding protein C3; minus strand). Cytogenetic location: 11p11.2.
Variant type: single nucleotide variant.
Coding change: c.2534G>A on transcript NM_000256.3 (MANE Select); coding-DNA position 2534, G replaced by A.
Protein change: p.Arg845His; replaces arginine 845 with histidine.
Molecular consequence: missense variant.
Genome position (GRCh38, 1-based): chr11:47,337,459, C>T on the plus strand (G>A on the coding strand, the complement: MYBPC3 is on the minus strand). VCF-style: chr11-47337459-C-T. GRCh37 (hg19) VCF-style: chr11-47359010-C-T.
Other names: p.R845H:CGC>CAC; p.Arg845His; c.2534G>A, p.Arg845His (LRG_386t1); short protein forms R845H.
Identifiers: ClinVar variation 180974 (VCV000180974.13), dbSNP rs730880568, ClinGen allele CA012528.
Genomic context (GRCh38, chr11:47,337,459, plus strand): 5'-ATGAAGGGCTGGGAGGCAGGGCTGGGCCTGGACATGCCGATGGCGTTGACCGCGTAGACG[C>T]GCATCTCGTACACCACGCCCTCGATCATGCGCCGCGCTTCATGACTCAGCTCCTGAATCA-3'
Protein context (NP_000247.2, residues 835-855): RMIEGVVYEM[Arg845His]VYAVNAIGMS